The following is an entry in ClinVar:

NM_000217.3(KCNA1):c.1477A>G (p.Thr493Ala)

Gene: KCNA1 (potassium voltage-gated channel subfamily A member 1; plus strand). Cytogenetic location: 12p13.32.
Variant type: single nucleotide variant.
Coding change: c.1477A>G on transcript NM_000217.3 (MANE Select); coding-DNA position 1477, A replaced by G.
Protein change: p.Thr493Ala; replaces threonine 493 with alanine.
Molecular consequence: missense variant.
Genome position (GRCh38, 1-based): chr12:4,912,855, A>G. VCF-style: chr12-4912855-A-G. GRCh37 (hg19) VCF-style: chr12-5022021-A-G.
Other names: short protein forms T493A.
Identifiers: ClinVar variation 1497518 (VCV001497518.8), dbSNP rs2137674354, ClinGen allele CA383456873.
Genomic context (GRCh38, chr12:4,912,855, plus strand): 5'-ATCAGAACTGCCAATTGCACCACTGCTAACCAAAACTGCGTTAATAAGAGCAAGCTACTG[A>G]CCGATGTTTAAAAAACAAAGGCAAGCAAACAAAAAAGCCCCACTTAGCAGCTCAAAAGAC-3'
Protein context (NP_000208.2, residues 483-495): QNCVNKSKLL[Thr493Ala]DV

ClinVar aggregate classification (germline): Uncertain significance (1 of 4 stars; one submission).

Conditions:
Episodic ataxia type 1 (EA1). Also called: PAROXYSMAL ATAXIA WITH NEUROMYOTONIA, HEREDITARY; ATAXIA, EPISODIC, WITH MYOKYMIA; Episodic ataxia/myokymia syndrome; MYOKYMIA WITH PERIODIC ATAXIA. Identifiers: Orphanet 37612, Orphanet 972, MedGen C1719788, MONDO:0008047, OMIM 160120.

Submission:

Labcorp Genetics (formerly Invitae), Labcorp
Classification: Uncertain significance for Episodic ataxia type 1. Last evaluated: 2021-06-08. Review status: criteria provided, single submitter. Criteria: Invitae Variant Classification Sherloc (09022015). Collection method: clinical testing. Allele origin: germline.
Comment: This sequence change replaces threonine with alanine at codon 493 of the KCNA1 protein (p.Thr493Ala). The threonine residue is highly conserved and there is a small physicochemical difference between threonine and alanine. This variant is not present in population databases (ExAC no frequency). In summary, the available evidence is currently insufficient to determine the role of this variant in disease. Therefore, it has been classified as a Variant of Uncertain Significance. Algorithms developed to predict the effect of missense changes on protein structure and function are either unavailable or do not agree on the potential impact of this missense change (SIFT: "Deleterious"; PolyPhen-2: "Probably Damaging"; Align-GVGD: "Class C0"). This variant has not been reported in the literature in individuals with KCNA1-related conditions.